The following is an entry in ClinVar:

NM_001349253.2(SCN11A):c.1100A>G (p.Gln367Arg)

Gene: SCN11A (sodium voltage-gated channel alpha subunit 11; minus strand). Cytogenetic location: 3p22.2.
Variant type: single nucleotide variant.
Coding change: c.1100A>G on transcript NM_001349253.2 (MANE Select); coding-DNA position 1100, A replaced by G.
Protein change: p.Gln367Arg; replaces glutamine 367 with arginine.
Molecular consequence: missense variant.
Genome position (GRCh38, 1-based): chr3:38,910,067, T>C on the plus strand (A>G on the coding strand, the complement: SCN11A is on the minus strand). VCF-style: chr3-38910067-T-C. GRCh37 (hg19) VCF-style: chr3-38951558-T-C.
Other names: c.1100A>G, p.Gln367Arg (NM_014139.3); short protein forms Q367R.
Identifiers: ClinVar variation 1504006 (VCV001504006.8), dbSNP rs2125538091, ClinGen allele CA352168380.

ClinVar aggregate classification (germline): Uncertain significance (1 of 4 stars; one submission).

Conditions:
Hereditary sensory and autonomic neuropathy type 7. Also called: Neuropathy, hereditary sensory and autonomic, type VII; HSAN VII. Identifiers: Orphanet 391397, MedGen C3809882, MONDO:0014244, OMIM 615548.
Familial episodic pain syndrome with predominantly lower limb involvement. Also called: Episodic pain syndrome, familial, 3. Identifiers: Orphanet 391384, Orphanet 391392, MedGen C3809899, MONDO:0014247, OMIM 615552.

Submission:

Labcorp Genetics (formerly Invitae), Labcorp
Classification: Uncertain significance for Familial episodic pain syndrome with predominantly lower limb involvement; Hereditary sensory and autonomic neuropathy type 7. Last evaluated: 2024-03-27. Review status: criteria provided, single submitter. Criteria: Invitae Variant Classification Sherloc (09022015). Collection method: clinical testing. Allele origin: germline.
Comment: This sequence change replaces glutamine, which is neutral and polar, with arginine, which is basic and polar, at codon 367 of the SCN11A protein (p.Gln367Arg). This variant is not present in population databases (gnomAD no frequency). This variant has not been reported in the literature in individuals affected with SCN11A-related conditions. ClinVar contains an entry for this variant (Variation ID: 1504006). An algorithm developed to predict the effect of missense changes on protein structure and function (PolyPhen-2) suggests that this variant is likely to be disruptive. Algorithms developed to predict the effect of sequence changes on RNA splicing suggest that this variant may disrupt the consensus splice site. In summary, the available evidence is currently insufficient to determine the role of this variant in disease. Therefore, it has been classified as a Variant of Uncertain Significance.